The following is an entry in ClinVar:

ClinVar aggregate classification (germline): Uncertain significance. Review status: criteria provided, single submitter (1 of 4 stars). 2 submissions from 2 submitters: Uncertain significance (1). 1 of the submissions does not count toward it. Last evaluated 2023-12-16.

Conditions:
OTUD1-related disorder. Also called: OTUD1-related condition.

Allele frequency attached by ClinVar (database versions not stated): gnomAD exomes 0.00007; ExAC 0.00021; 1000 Genomes Project 30x 0.00047; gnomAD 0.00125.
gnomAD v4.1: 268 of 1,295,790 alleles (0.021%); highest among the groups gnomAD compares: African/African-American, 0.36%; no homozygotes.

Submissions (2):

Ambry Genetics
Classification: Uncertain significance. Last evaluated: 2023-12-16. Review status: criteria provided, single submitter. Criteria: Ambry Variant Classification Scheme 2023. Collection method: clinical testing. Allele origin: germline.

PreventionGenetics, part of Exact Sciences
Classification: Likely benign for OTUD1-related condition. Last evaluated: 2023-04-24. Review status: no assertion criteria provided. Collection method: clinical testing. Allele origin: germline. Not counted in ClinVar's aggregate classification.
Comment: This variant is classified as likely benign based on ACMG/AMP sequence variant interpretation guidelines (Richards et al. 2015 PMID: 25741868, with internal and published modifications).

NM_001145373.3(OTUD1):c.200T>C (p.Val67Ala)

Genes: OTUD1 (OTU deubiquitinase 1; plus strand), LOC130003513 (ATAC-STARR-seq lymphoblastoid silent region 2218; plus strand). Cytogenetic location: 10p12.2.
Variant type: single nucleotide variant.
Coding change: c.200T>C on transcript NM_001145373.3 (MANE Select); coding-DNA position 200, T replaced by C.
Protein change: p.Val67Ala; replaces valine 67 with alanine.
Molecular consequence: missense variant.
Genome position (GRCh38, 1-based): chr10:23,439,657, T>C. VCF-style: chr10-23439657-T-C. GRCh37 (hg19) VCF-style: chr10-23728586-T-C.
Other names: short protein forms V67A.
Identifiers: ClinVar variation 2370671 (VCV002370671.4), dbSNP rs772000715, ClinGen allele CA5438946.